The following is an entry in ClinVar:

ClinVar aggregate classification (germline): Uncertain significance (1 of 4 stars; one submission).

Conditions:
Tuberous sclerosis 2 (TSC2). Identifiers: Orphanet 805, MedGen C1860707, MONDO:0013199, OMIM 613254.

Submission:

Labcorp Genetics (formerly Invitae), Labcorp
Classification: Uncertain significance for Tuberous sclerosis 2. Last evaluated: 2021-05-01. Review status: criteria provided, single submitter. Criteria: Invitae Variant Classification Sherloc (09022015). Collection method: clinical testing. Allele origin: germline.
Comment: This sequence change replaces cysteine with tryptophan at codon 414 of the TSC2 protein (p.Cys414Trp). The cysteine residue is moderately conserved and there is a large physicochemical difference between cysteine and tryptophan. This variant is not present in population databases (ExAC no frequency). This variant has not been reported in the literature in individuals with TSC2-related conditions. Advanced modeling of protein sequence and biophysical properties (such as structural, functional, and spatial information, amino acid conservation, physicochemical variation, residue mobility, and thermodynamic stability) performed at Invitae indicates that this missense variant is not expected to disrupt TSC2 protein function. In summary, the available evidence is currently insufficient to determine the role of this variant in disease. Therefore, it has been classified as a Variant of Uncertain Significance.

NM_000548.5(TSC2):c.1242T>G (p.Cys414Trp)

Gene: TSC2 (TSC complex subunit 2; plus strand). Cytogenetic location: 16p13.3.
Variant type: single nucleotide variant.
Coding change: c.1242T>G on transcript NM_000548.5 (MANE Select); coding-DNA position 1242, T replaced by G.
Protein change: p.Cys414Trp; replaces cysteine 414 with tryptophan.
Molecular consequence: missense variant.
Genome position (GRCh38, 1-based): chr16:2,061,993, T>G. VCF-style: chr16-2061993-T-G. GRCh37 (hg19) VCF-style: chr16-2111994-T-G.
Other names: c.1242T>G, p.Cys414Trp (NM_001077183.3, NM_001114382.3, NM_001363528.2 and 3 more transcripts); c.1131T>G, p.Cys377Trp (NM_001318827.2); c.1095T>G, p.Cys365Trp (NM_001318829.2); c.642T>G, p.Cys214Trp (NM_001318831.2); c.1275T>G, p.Cys425Trp (NM_001318832.2); short protein forms C425W, C414W, C214W, C365W, C377W.
Identifiers: ClinVar variation 1425310 (VCV001425310.8), dbSNP rs2151156989, ClinGen allele CA394321400.